The following is an entry in ClinVar:

NM_033026.6(PCLO):c.3812T>C (p.Ile1271Thr)

Gene: PCLO (piccolo presynaptic cytomatrix protein; minus strand). Cytogenetic location: 7q21.11.
Variant type: single nucleotide variant.
Coding change: c.3812T>C on transcript NM_033026.6 (MANE Select); coding-DNA position 3812, T replaced by C.
Protein change: p.Ile1271Thr; replaces isoleucine 1271 with threonine.
Molecular consequence: missense variant.
Genome position (GRCh38, 1-based): chr7:82,965,976, A>G on the plus strand (T>C on the coding strand, the complement: PCLO is on the minus strand). VCF-style: chr7-82965976-A-G. GRCh37 (hg19) VCF-style: chr7-82595292-A-G.
Other names: c.3812T>C, p.Ile1271Thr (NM_014510.3); short protein forms I1271T.
Identifiers: ClinVar variation 2088197 (VCV002088197.4), dbSNP rs1434486435, ClinGen allele CA367931842.

ClinVar aggregate classification (germline): Uncertain significance (1 of 4 stars; one submission).

Allele frequency attached by ClinVar (database versions not stated): gnomAD exomes below 0.00001; gnomAD 0.00001; TOPMed 0.00001.
gnomAD v4.1: 2 of 1,613,682 alleles (0.00012%); highest among the groups gnomAD compares: Non-Finnish European, 0.00017%; no homozygotes.

Submission:

Labcorp Genetics (formerly Invitae), Labcorp
Classification: Uncertain significance. Last evaluated: 2022-12-12. Review status: criteria provided, single submitter. Criteria: Invitae Variant Classification Sherloc (09022015). Collection method: clinical testing. Allele origin: germline.
Comment: This sequence change replaces isoleucine, which is neutral and non-polar, with threonine, which is neutral and polar, at codon 1271 of the PCLO protein (p.Ile1271Thr). This variant is present in population databases (no rsID available, gnomAD 0.0009%). This variant has not been reported in the literature in individuals affected with PCLO-related conditions. Algorithms developed to predict the effect of missense changes on protein structure and function output the following: SIFT: "Deleterious"; PolyPhen-2: "Not Available"; Align-GVGD: "Class C0". The threonine amino acid residue is found in multiple mammalian species, which suggests that this missense change does not adversely affect protein function. In summary, the available evidence is currently insufficient to determine the role of this variant in disease. Therefore, it has been classified as a Variant of Uncertain Significance.